The following is an entry in ClinVar:

ClinVar aggregate classification (germline): Uncertain significance. Review status: criteria provided, multiple submitters, no conflicts (2 of 4 stars). 2 submissions from 2 submitters: Uncertain significance (2). Last evaluated 2024-08-04.

Conditions:
Combined immunodeficiency due to OX40 deficiency. Also called: OX40 DEFICIENCY; Immunodeficiency 16. Identifiers: Orphanet 431149, MedGen C3810053, MONDO:0014268, OMIM 615593.

Allele frequency attached by ClinVar (database versions not stated): gnomAD 0.00001; gnomAD exomes 0.00001; ExAC 0.00003; TOPMed 0.00003.

Submissions (2):

Labcorp Genetics (formerly Invitae), Labcorp
Classification: Uncertain significance for Combined immunodeficiency due to OX40 deficiency. Last evaluated: 2024-08-04. Review status: criteria provided, single submitter. Criteria: Invitae Variant Classification Sherloc (09022015). Collection method: clinical testing. Allele origin: germline.
Comment: This sequence change replaces arginine, which is basic and polar, with tryptophan, which is neutral and slightly polar, at codon 110 of the TNFRSF4 protein (p.Arg110Trp). This variant is present in population databases (rs756682107, gnomAD 0.03%). This variant has not been reported in the literature in individuals affected with TNFRSF4-related conditions. ClinVar contains an entry for this variant (Variation ID: 2165550). Advanced modeling of protein sequence and biophysical properties (such as structural, functional, and spatial information, amino acid conservation, physicochemical variation, residue mobility, and thermodynamic stability) performed at Invitae indicates that this missense variant is expected to disrupt TNFRSF4 protein function with a positive predictive value of 80%. In summary, the available evidence is currently insufficient to determine the role of this variant in disease. Therefore, it has been classified as a Variant of Uncertain Significance.

Ambry Genetics
Classification: Uncertain significance. Last evaluated: 2022-11-07. Review status: criteria provided, single submitter. Criteria: Ambry Variant Classification Scheme 2023. Collection method: clinical testing. Allele origin: germline.

NM_003327.4(TNFRSF4):c.328C>T (p.Arg110Trp)

Gene: TNFRSF4 (TNF receptor superfamily member 4; minus strand). Cytogenetic location: 1p36.33.
Variant type: single nucleotide variant.
Coding change: c.328C>T on transcript NM_003327.4 (MANE Select); coding-DNA position 328, C replaced by T.
Protein change: p.Arg110Trp; replaces arginine 110 with tryptophan.
Molecular consequence: missense variant.
Genome position (GRCh38, 1-based): chr1:1,213,034, G>A on the plus strand (C>T on the coding strand, the complement: TNFRSF4 is on the minus strand). VCF-style: chr1-1213034-G-A. GRCh37 (hg19) VCF-style: chr1-1148414-G-A.
Other names: c.328C>T, p.Arg110Trp (NM_001410709.1); c.328C>T (NM_003327.3); short protein forms R110W.
Identifiers: ClinVar variation 2165550 (VCV002165550.5), dbSNP rs756682107, ClinGen allele CA512528.